The following is an entry in ClinVar:

ClinVar aggregate classification (germline): Uncertain significance. Review status: criteria provided, multiple submitters, no conflicts (2 of 4 stars). 2 submissions from 2 submitters: Uncertain significance (2). Last evaluated 2023-11-20.

Conditions:
Hereditary cancer-predisposing syndrome. Also called: Neoplastic Syndromes, Hereditary; Tumor predisposition; Hereditary neoplastic syndrome; Hereditary Cancer Syndrome. Identifiers: Orphanet 140162, MedGen C0027672, MeSH D009386, MONDO:0015356.

Submissions (2):

GeneDx
Classification: Uncertain significance. Last evaluated: 2023-11-20. Review status: criteria provided, single submitter. Criteria: GeneDx Variant Classification Process June 2021. Collection method: clinical testing. Allele origin: germline. Affected: yes.
Comment: Not observed at significant frequency in large population cohorts (gnomAD); In silico analysis supports that this missense variant does not alter protein structure/function; Has not been previously published as pathogenic or benign to our knowledge

Ambry Genetics
Classification: Uncertain significance for Hereditary cancer-predisposing syndrome. Last evaluated: 2019-10-14. Review status: criteria provided, single submitter. Criteria: Ambry Variant Classification Scheme 2023. Collection method: clinical testing. Allele origin: germline.
Comment: The p.M1782V variant (also known as c.5344A>G), located in coding exon 23 of the DICER1 gene, results from an A to G substitution at nucleotide position 5344. The methionine at codon 1782 is replaced by valine, an amino acid with highly similar properties. This amino acid position is highly conserved in available vertebrate species. In addition, this alteration is predicted to be deleterious by in silico analysis. Since supporting evidence is limited at this time, the clinical significance of this alteration remains unclear.

NM_177438.3(DICER1):c.5344A>G (p.Met1782Val)

Gene: DICER1 (dicer 1, ribonuclease III; minus strand). Cytogenetic location: 14q32.13.
Variant type: single nucleotide variant.
Coding change: c.5344A>G on transcript NM_177438.3 (MANE Select); coding-DNA position 5344, A replaced by G.
Protein change: p.Met1782Val; replaces methionine 1782 with valine.
Molecular consequence: missense variant.
Genome position (GRCh38, 1-based): chr14:95,093,908, T>C on the plus strand (A>G on the coding strand, the complement: DICER1 is on the minus strand). VCF-style: chr14-95093908-T-C. GRCh37 (hg19) VCF-style: chr14-95560245-T-C.
Other names: c.5344A>G, p.Met1782Val (NM_001195573.1, NM_001271282.3, NM_001291628.2 and 1 more transcripts); short protein forms M1782V.
Identifiers: ClinVar variation 825669 (VCV000825669.5), dbSNP rs1595329283, ClinGen allele CA390864896.
Genomic context (GRCh38, chr14:95,093,908, plus strand): 5'-TTAGACCACTTTTTTCAACATCGTTTTGAACAGCACTAACCTCAGAATCCATTCCTTGCA[T>C]TTCATTCTTCTCAAGCTGAAACTGCACAAAGTCATCAATGACATGGAAGAGCTCAGGAGA-3'
Protein context (NP_803187.1, residues 1772-1792): FVQFQLEKNE[Met1782Val]QGMDSELRRS